The following is an entry in ClinVar:

NM_000350.3(ABCA4):c.232A>C (p.Asn78His)

Gene: ABCA4 (ATP binding cassette subfamily A member 4; minus strand). Cytogenetic location: 1p22.1.
Variant type: single nucleotide variant.
Coding change: c.232A>C on transcript NM_000350.3 (MANE Select); coding-DNA position 232, A replaced by C.
Protein change: p.Asn78His; replaces asparagine 78 with histidine.
Molecular consequence: missense variant.
Genome position (GRCh38, 1-based): chr1:94,111,508, T>G on the plus strand (A>C on the coding strand, the complement: ABCA4 is on the minus strand). VCF-style: chr1-94111508-T-G. GRCh37 (hg19) VCF-style: chr1-94577064-T-G.
Other names: c.232A>C, p.Asn78His (NM_001425324.1); short protein forms N78H.
Identifiers: ClinVar variation 1973376 (VCV001973376.3), dbSNP rs148529158, ClinGen allele CA958892.

ClinVar aggregate classification (germline): Uncertain significance. Review status: criteria provided, multiple submitters, no conflicts (2 of 4 stars). 2 submissions from 2 submitters: Uncertain significance (2). Last evaluated 2022-08-23.

Allele frequency attached by ClinVar (database versions not stated): ExAC 0.00001; gnomAD 0.00001; TOPMed 0.00003; ESP Exome Variant Server 0.00008.
gnomAD v4.1: 4 of 1,614,006 alleles (0.00025%); highest among the groups gnomAD compares: African/African-American, 0.0053%; no homozygotes.

Submissions (2):

Labcorp Genetics (formerly Invitae), Labcorp
Classification: Uncertain significance. Last evaluated: 2022-08-23. Review status: criteria provided, single submitter. Criteria: Invitae Variant Classification Sherloc (09022015). Collection method: clinical testing. Allele origin: germline.
Comment: This sequence change replaces asparagine, which is neutral and polar, with histidine, which is basic and polar, at codon 78 of the ABCA4 protein (p.Asn78His). This variant is present in population databases (rs148529158, gnomAD 0.007%). This variant has not been reported in the literature in individuals affected with ABCA4-related conditions. Algorithms developed to predict the effect of missense changes on protein structure and function are either unavailable or do not agree on the potential impact of this missense change (SIFT: "Deleterious"; PolyPhen-2: "Benign"; Align-GVGD: "Class C65"). In summary, the available evidence is currently insufficient to determine the role of this variant in disease. Therefore, it has been classified as a Variant of Uncertain Significance.

Blueprint Genetics
Classification: Uncertain significance. Last evaluated: 2019-11-29. Review status: criteria provided, single submitter. Criteria: ACMG Guidelines, 2015. Collection method: clinical testing. Allele origin: germline.